The following is an entry in ClinVar:

ClinVar aggregate classification (germline): Uncertain significance. Review status: criteria provided, multiple submitters, no conflicts (2 of 4 stars). 2 submissions from 2 submitters: Uncertain significance (2). Last evaluated 2025-12-15.

Allele frequency attached by ClinVar (database versions not stated): TOPMed 0.00003; ExAC 0.00001; gnomAD 0.00001; ESP Exome Variant Server 0.00008.
gnomAD v4.1: 9 of 1,612,400 alleles (0.00056%); highest among the groups gnomAD compares: Admixed American, 0.0033%; no homozygotes.

Submissions (2):

Labcorp Genetics (formerly Invitae), Labcorp
Classification: Uncertain significance. Last evaluated: 2025-12-15. Review status: criteria provided, single submitter. Criteria: Invitae Variant Classification Sherloc (09022015). Collection method: clinical testing. Allele origin: germline.
Comment: This sequence change replaces glutamic acid, which is acidic and polar, with lysine, which is basic and polar, at codon 569 of the KIF22 protein (p.Glu569Lys). This variant is present in population databases (rs369297142, gnomAD 0.003%). This variant has not been reported in the literature in individuals affected with KIF22-related conditions. ClinVar contains an entry for this variant (Variation ID: 3020913). An algorithm developed to predict the effect of missense changes on protein structure and function outputs the following: PolyPhen-2: "Benign". The lysine amino acid residue is found in multiple mammalian species, which suggests that this missense change does not adversely affect protein function. In summary, the available evidence is currently insufficient to determine the role of this variant in disease. Therefore, it has been classified as a Variant of Uncertain Significance.

Ambry Genetics
Classification: Uncertain significance. Last evaluated: 2024-11-12. Review status: criteria provided, single submitter. Criteria: Ambry Variant Classification Scheme 2023. Collection method: clinical testing. Allele origin: germline.

NM_007317.3(KIF22):c.1705G>A (p.Glu569Lys)

Gene: KIF22 (kinesin family member 22; plus strand). Cytogenetic location: 16p11.2.
Variant type: single nucleotide variant.
Coding change: c.1705G>A on transcript NM_007317.3 (MANE Select); coding-DNA position 1705, G replaced by A.
Protein change: p.Glu569Lys; replaces glutamic acid 569 with lysine.
Molecular consequence: missense variant.
Genome position (GRCh38, 1-based): chr16:29,804,841, G>A. VCF-style: chr16-29804841-G-A. GRCh37 (hg19) VCF-style: chr16-29816162-G-A.
Other names: c.1501G>A, p.Glu501Lys (NM_001256269.2, NM_001256270.1); c.1705G>A (NM_007317.1); short protein forms E501K, E569K.
Identifiers: ClinVar variation 3020913 (VCV003020913.4), dbSNP rs369297142, ClinGen allele CA7993417.
Genomic context (GRCh38, chr16:29,804,841, plus strand): 5'-CCTGCGTGTCACTCATCTCCCTTTGCCTCCCAGCTGGAGTCCCTGGATGCCCTAGAGCCT[G>A]AGGAGAAGGCTGAGGACTGCTGGGAGCTACAGATCAGCCCGGAGCTACTGGCTCATGGGC-3'
Protein context (NP_015556.1, residues 559-579): KLESLDALEP[Glu569Lys]EKAEDCWELQ